The following is an entry in ClinVar:

NM_000503.6(EYA1):c.1648G>A (p.Val550Met)

Gene: EYA1 (EYA transcriptional coactivator and phosphatase 1; minus strand). Cytogenetic location: 8q13.3.
Variant type: single nucleotide variant.
Coding change: c.1648G>A on transcript NM_000503.6 (MANE Select); coding-DNA position 1648, G replaced by A.
Protein change: p.Val550Met; replaces valine 550 with methionine.
Molecular consequence: missense variant.
Genome position (GRCh38, 1-based): chr8:71,211,206, C>T on the plus strand (G>A on the coding strand, the complement: EYA1 is on the minus strand). VCF-style: chr8-71211206-C-T. GRCh37 (hg19) VCF-style: chr8-72123441-C-T.
Other names: c.1630G>A, p.Val544Met (NM_001288574.2, NM_172059.5); c.1282G>A, p.Val428Met (NM_001288575.2); c.1735G>A, p.Val579Met (NM_001370333.1); c.1648G>A, p.Val550Met (NM_001370334.1, NM_001370335.1, NM_172058.4); c.1627G>A, p.Val543Met (NM_001370336.1); c.1549G>A, p.Val517Met (NM_001411797.1, NM_172060.4); short protein forms V428M, V517M, V543M, V544M, V550M, V579M.
Identifiers: ClinVar variation 4847356 (VCV004847356.1).

ClinVar aggregate classification (germline): Uncertain significance (1 of 4 stars; one submission).

Submission:

Women's Health and Genetics/Laboratory Corporation of America, LabCorp
Classification: Uncertain significance. Last evaluated: 2026-03-10. Review status: criteria provided, single submitter. Criteria: LabCorp Variant Classification Summary - May 2015. Collection method: clinical testing. Allele origin: germline.
Comment: Variant summary: EYA1 c.1648G>A (p.Val550Met) results in a conservative amino acid change in the encoded protein sequence. Algorithms developed to predict the effect of missense changes on protein structure and function are either unavailable or do not agree on the potential impact of this missense change. The variant was absent in 251284 control chromosomes. The available data on variant occurrences in the general population are insufficient to allow any conclusion about variant significance. To our knowledge, no occurrence of c.1648G>A in individuals affected with EYA1-related conditions and no experimental evidence demonstrating its impact on protein function have been reported. No submitters have cited clinical-significance assessments for this variant to ClinVar. Based on the evidence outlined above, the variant was classified as uncertain significance.